The following is an entry in ClinVar:

ClinVar aggregate classification (germline): Benign/Likely benign. Review status: criteria provided, multiple submitters, no conflicts (2 of 4 stars). 3 submissions from 3 submitters: Benign (1); Likely benign (2). Last evaluated 2024-10-31.

Conditions:
Hereditary cancer-predisposing syndrome. Also called: Neoplastic Syndromes, Hereditary; Tumor predisposition; Hereditary Cancer Syndrome; Hereditary neoplastic syndrome. Identifiers: Orphanet 140162, MedGen C0027672, MeSH D009386, MONDO:0015356.
Familial adenomatous polyposis 1 (FAP1). Also called: FAMILIAL ADENOMATOUS POLYPOSIS 1, ATTENUATED; POLYPOSIS, ADENOMATOUS INTESTINAL. Identifiers: MedGen C2713442, MONDO:0021056, OMIM 175100. Disease mechanism: loss of function.

Submissions (3):

Labcorp Genetics (formerly Invitae), Labcorp
Classification: Likely benign for Familial adenomatous polyposis 1. Last evaluated: 2024-10-31. Review status: criteria provided, single submitter. Criteria: Invitae Variant Classification Sherloc (09022015). Collection method: clinical testing. Allele origin: germline.

Myriad Genetics, Inc.
Classification: Benign for Familial adenomatous polyposis 1. Last evaluated: 2024-02-27. Review status: criteria provided, single submitter. Criteria: Myriad Autosomal Dominant, Autosomal Recessive and X-Linked Classification Criteria (2023). Collection method: clinical testing. Allele origin: unknown.
Comment: This variant is considered benign. This variant is a silent/synonymous amino acid change and it is not expected to impact splicing.

Ambry Genetics
Classification: Likely benign for Hereditary cancer-predisposing syndrome. Last evaluated: 2021-10-01. Review status: criteria provided, single submitter. Criteria: Ambry Variant Classification Scheme 2023. Collection method: clinical testing. Allele origin: germline.

NM_000038.6(APC):c.867C>T (p.Ala289=)

Gene: APC (APC regulator of Wnt signaling pathway; plus strand). Cytogenetic location: 5q22.2.
Variant type: single nucleotide variant.
Coding change: c.867C>T on transcript NM_000038.6 (MANE Select); coding-DNA position 867, C replaced by T.
Protein change: p.Ala289=; no amino-acid change (alanine 289 retained).
Molecular consequence: synonymous variant. On other transcripts: non-coding transcript variant (2).
Genome position (GRCh38, 1-based): chr5:112,815,527, C>T. VCF-style: chr5-112815527-C-T. GRCh37 (hg19) VCF-style: chr5-112151224-C-T.
Other names: c.867C>T, p.Ala289= (NM_001127510.3, NM_001354895.2, NM_001354896.2 and 12 more transcripts); c.813C>T, p.Ala271= (NM_001127511.3); c.897C>T, p.Ala299= (NM_001354897.2, NM_001354902.2, NM_001407446.1); c.792C>T, p.Ala264= (NM_001354898.2, NM_001354904.2, NM_001407451.1); c.783C>T, p.Ala261= (NM_001354899.2, NM_001407452.1, NM_001407467.1 and 1 more transcripts); c.690C>T, p.Ala230= (NM_001354900.2, NM_001354901.2, NM_001354905.2 and 1 more transcripts); c.18C>T, p.Ala6= (NM_001354906.2, NM_001407470.1, NM_001407471.1 and 1 more transcripts).
Identifiers: ClinVar variation 1764270 (VCV001764270.4), dbSNP rs2149762899, ClinGen allele CA445755687.